The following is an entry in ClinVar:

NM_001009944.3(PKD1):c.12836G>A (p.Arg4279Gln)

Gene: PKD1 (polycystin 1, transient receptor potential channel interacting; minus strand). Cytogenetic location: 16p13.3.
Variant type: single nucleotide variant.
Coding change: c.12836G>A on transcript NM_001009944.3 (MANE Select); coding-DNA position 12836, G replaced by A.
Protein change: p.Arg4279Gln; replaces arginine 4279 with glutamine.
Molecular consequence: missense variant.
Genome position (GRCh38, 1-based): chr16:2,089,803, C>T on the plus strand (G>A on the coding strand, the complement: PKD1 is on the minus strand). VCF-style: chr16-2089803-C-T. GRCh37 (hg19) VCF-style: chr16-2139804-C-T.
Other names: c.12833G>A, p.Arg4278Gln (NM_000296.4); short protein forms R4278Q, R4279Q.
Identifiers: ClinVar variation 2672605 (VCV002672605.23), dbSNP rs557710665, ClinGen allele CA7828448.

ClinVar aggregate classification (germline): Uncertain significance (1 of 4 stars; one submission).

Allele frequency attached by ClinVar (database versions not stated): gnomAD exomes below 0.00001; gnomAD 0.00001; TOPMed 0.00001; ExAC 0.00004; 1000 Genomes Project 30x 0.00016; 1000 Genomes Project 0.00020.
gnomAD v4.1: 8 of 1,598,472 alleles (0.0005%); highest among the groups gnomAD compares: Middle Eastern, 0.017%; no homozygotes.

Submission:

CeGaT Center for Human Genetics Tuebingen
Classification: Uncertain significance. Last evaluated: 2023-11-01. Review status: criteria provided, single submitter. Criteria: CeGaT Center For Human Genetics Tuebingen Variant Classification Criteria Version 2. Collection method: clinical testing. Allele origin: germline. Affected: yes. Observed: 1 variant allele.
Comment: PKD1: PM2, BP4